The following is an entry in ClinVar:

NM_203447.4(DOCK8):c.5296C>T (p.Arg1766Trp)

Gene: DOCK8 (dedicator of cytokinesis 8; plus strand). Cytogenetic location: 9p24.3.
Variant type: single nucleotide variant.
Coding change: c.5296C>T on transcript NM_203447.4 (MANE Select); coding-DNA position 5296, C replaced by T.
Protein change: p.Arg1766Trp; replaces arginine 1766 with tryptophan.
Molecular consequence: missense variant.
Genome position (GRCh38, 1-based): chr9:441,358, C>T. VCF-style: chr9-441358-C-T. GRCh37 (hg19) VCF-style: chr9-441358-C-T.
Other names: c.4996C>T, p.Arg1666Trp (NM_001190458.2); c.5092C>T, p.Arg1698Trp (NM_001193536.2); short protein forms R1766W, R1698W, R1666W.
Identifiers: ClinVar variation 367025 (VCV000367025.10), dbSNP rs201776049, ClinGen allele CA4959385.
Genomic context (GRCh38, chr9:441,358, plus strand): 5'-GAGACAGTTAATGAGGTCTACAAGCTGGTCATCCCCATCCTAGAAGCGCATCGAGAATTC[C>T]GGAAGCTGACACTCACTCACAGCAAGCTGCAGAGAGCCTTCGACAGCATCGTTAACAAGG-3'
Protein context (NP_982272.2, residues 1756-1776): IPILEAHREF[Arg1766Trp]KLTLTHSKLQ

ClinVar aggregate classification (germline): Uncertain significance. Review status: criteria provided, multiple submitters, no conflicts (2 of 4 stars). 3 submissions from 3 submitters: Uncertain significance (3). Last evaluated 2024-07-15.

Conditions:
Combined immunodeficiency due to DOCK8 deficiency (HIES2). Also called: HIES autosomal recessive; Hyper-IgE recurrent infection syndrome, autosomal recessive; DOCK8 Deficiency; HYPER-IgE RECURRENT INFECTION SYNDROME 2, AUTOSOMAL RECESSIVE; HYPER-IgE SYNDROME 2, AUTOSOMAL RECESSIVE, WITH RECURRENT INFECTIONS. Identifiers: Orphanet 217390, MedGen C4722305, MONDO:0009478, OMIM 243700.

Allele frequency attached by ClinVar (database versions not stated): ESP Exome Variant Server 0.00008; gnomAD 0.00015 and 0.00016; ExAC 0.00016; gnomAD exomes 0.00016 and 0.00019; TOPMed 0.00032.
gnomAD v4.1: 297 of 1,614,064 alleles (0.018%); highest among the groups gnomAD compares: Admixed American, 0.042%; no homozygotes.

Submissions (3):

Blueprint Genetics
Classification: Uncertain significance. Last evaluated: 2024-07-15. Review status: criteria provided, single submitter. Criteria: ACMG Guidelines, 2015. Collection method: clinical testing. Allele origin: germline.

Labcorp Genetics (formerly Invitae), Labcorp
Classification: Uncertain significance for Combined immunodeficiency due to DOCK8 deficiency. Last evaluated: 2022-10-28. Review status: criteria provided, single submitter. Criteria: Invitae Variant Classification Sherloc (09022015). Collection method: clinical testing. Allele origin: germline.
Comment: This sequence change replaces arginine, which is basic and polar, with tryptophan, which is neutral and slightly polar, at codon 1766 of the DOCK8 protein (p.Arg1766Trp). This variant is present in population databases (rs201776049, gnomAD 0.03%). This variant has not been reported in the literature in individuals affected with DOCK8-related conditions. ClinVar contains an entry for this variant (Variation ID: 367025). Advanced modeling of protein sequence and biophysical properties (such as structural, functional, and spatial information, amino acid conservation, physicochemical variation, residue mobility, and thermodynamic stability) performed at Invitae indicates that this missense variant is not expected to disrupt DOCK8 protein function. In summary, the available evidence is currently insufficient to determine the role of this variant in disease. Therefore, it has been classified as a Variant of Uncertain Significance.

Illumina Laboratory Services, Illumina
Classification: Uncertain significance for Combined immunodeficiency due to DOCK8 deficiency. Last evaluated: 2018-01-13. Review status: criteria provided, single submitter. Criteria: ICSL Variant Classification Criteria 13 December 2019. Collection method: clinical testing. Allele origin: germline.